The following is an entry in ClinVar:

ClinVar aggregate classification (germline): Pathogenic (1 of 4 stars; one submission).

Conditions:
Early-infantile DEE. Also called: Early infantile epileptic encephalopathy with suppression bursts; Early infantile epileptic encephalopathy; Ohtahara syndrome. Identifiers: Orphanet 1934, MedGen C0393706, MONDO:0800491.

Submission:

Labcorp Genetics (formerly Invitae), Labcorp
Classification: Pathogenic for Early-infantile DEE. Last evaluated: 2018-06-25. Review status: criteria provided, single submitter. Criteria: Invitae Variant Classification Sherloc (09022015). Collection method: clinical testing. Allele origin: germline.
Comment: For these reasons, this variant has been classified as Pathogenic. Loss-of-function variants in SCN1A are known to be pathogenic (PMID: 17347258, 18930999). This variant has not been reported in the literature in individuals with SCN1A-related disease. This variant is not present in population databases (ExAC no frequency). This sequence change creates a premature translational stop signal (p.Arg618Aspfs*6) in the SCN1A gene. It is expected to result in an absent or disrupted protein product.

Literature cited by the submitters: PubMed 17347258; PubMed 18930999.

NM_001165963.4(SCN1A):c.1850_1851dup (p.Arg618fs)

Gene: SCN1A (sodium voltage-gated channel alpha subunit 1; minus strand). Cytogenetic location: 2q24.3.
Variant type: Microsatellite.
Coding change: c.1850_1851dup on transcript NM_001165963.4 (MANE Select); coding-DNA positions 1850 to 1851, 2 bases duplicated (GA; older notation c.1850_1851dupGA).
Protein change: p.Arg618fs; shifts the reading frame from arginine 618.
Molecular consequence: frameshift variant. On other transcripts: 5 prime UTR variant (1), non-coding transcript variant (1).
Genome position (GRCh38, 1-based): chr2:166,043,861-166,043,862, TC duplicated on the plus strand (GA on the coding strand, the reverse complement: SCN1A is on the minus strand); duplicating any 2 consecutive bases within chr2:166,043,861-166,043,868 gives the same sequence; the c. name uses the placement nearest the transcript's 3' end. VCF-style (leftmost placement, unchanged base first): chr2-166043860-G-GTC. GRCh37 (hg19) VCF-style: chr2-166900370-G-GTC.
Other names: c.1850_1851dup, p.Arg618fs (NM_001165964.3, NM_001202435.3, NM_001353948.2 and 7 more transcripts); c.1847_1848dup, p.Arg617fs (NM_001353954.2, NM_001353955.2, NM_001353960.2); c.-582GA[5] (NM_001353961.2); short protein forms R617fs, R618fs.
Identifiers: ClinVar variation 577287 (VCV000577287.7), dbSNP rs1559216338, ClinGen allele CA891842513.